The following is an entry in ClinVar:

NM_007294.4(BRCA1):c.*228A>G

Gene: BRCA1 (BRCA1 DNA repair associated; minus strand). Cytogenetic location: 17q21.31.
Variant type: single nucleotide variant.
Coding change: c.*228A>G on transcript NM_007294.4 (MANE Select); 228 bases downstream of the stop codon, A replaced by G.
Molecular consequence: 3 prime UTR variant. On other transcripts: non-coding transcript variant (1).
Genome position (GRCh38, 1-based): chr17:43,045,450, T>C on the plus strand (A>G on the coding strand, the complement: BRCA1 is on the minus strand). VCF-style: chr17-43045450-T-C. GRCh37 (hg19) VCF-style: chr17-41197467-T-C.
Other names: 5939 A>G; c.*228A>G (NM_001407571.1, NM_001407581.1, NM_001407582.1 and 348 more transcripts); c.*334A>G (NM_001407854.1, NM_001407858.1, NM_001407859.1 and 14 more transcripts).
Identifiers: ClinVar variation 209235 (VCV000209235.4), dbSNP rs56108540, ClinGen allele CA055447.

ClinVar aggregate classification (germline): Benign. Review status: reviewed by expert panel (3 of 4 stars). 2 submissions from 2 submitters: Benign (1). 1 of the submissions does not count toward it. Last evaluated 2015-01-12.

Conditions:
Breast-ovarian cancer, familial, susceptibility to, 1 (BROVCA1). Also called: BRCA1 Hereditary Breast and Ovarian Cancer; OVARIAN CANCER, SUSCEPTIBILITY TO. Identifiers: Orphanet 145, MedGen C2676676, MONDO:0011450, OMIM 604370. Disease mechanism: loss of function.

Allele frequency attached by ClinVar (database versions not stated): gnomAD exomes 0.00015 and 0.00022; ExAC 0.00026; gnomAD 0.00082 and 0.00088; TOPMed 0.00090; 1000 Genomes Project 30x 0.00125; 1000 Genomes Project 0.00140.
gnomAD v4.1: 216 of 722,942 alleles (0.03%); highest among the groups gnomAD compares: African/African-American, 0.33%; no homozygotes.

Submissions (2):

Evidence-based Network for the Interpretation of Germline Mutant Alleles (ENIGMA)
Classification: Benign for Breast-ovarian cancer, familial 1. Last evaluated: 2015-01-12. Review status: reviewed by expert panel. Criteria: ENIGMA BRCA1/2 Classification Criteria (2015). Collection method: curation. Allele origin: germline.
Comment: Class 1 not pathogenic based on frequency >1% in an outbred sampleset. Frequency 0.01016 (African), derived from 1000 genomes (2012-04-30).

Dasa
Classification: Benign for Breast-ovarian cancer, familial, susceptibility to, 1. Last evaluated: 2025-10-31. Review status: criteria provided, single submitter. Criteria: DASA Assertion Criteria. Collection method: clinical testing. Allele origin: germline. Not counted in ClinVar's aggregate classification.
Comment: NM_007294.4(BRCA1):c.*228A>G is a sequence variant. Population frequency is inconsistent with a disease-causing role for this variant. Therefore, based on the currently available evidence, this variant is classified as benign.